The following is an entry in ClinVar:

ClinVar aggregate classification (germline): Benign. Review status: criteria provided, multiple submitters, no conflicts (2 of 4 stars). 3 submissions from 2 submitters: Benign (3). Last evaluated 2021-10-25.

Conditions:
Charcot-Marie-Tooth disease recessive intermediate C. Also called: CHARCOT-MARIE-TOOTH NEUROPATHY, RECESSIVE INTERMEDIATE C. Identifiers: Orphanet 369867, MedGen C3809309, MONDO:0014154, OMIM 615376.
Neuronopathy, distal hereditary motor, autosomal recessive 4. Also called: NEUROPATHY, DISTAL HEREDITARY MOTOR, AUTOSOMAL RECESSIVE 4; Autosomal recessive lower motor neuron disease with childhood onset. Identifiers: Orphanet 206580, MedGen C1970211, MONDO:0012608, OMIM 611067.

Submissions (3):

Genome-Nilou Lab
Classification: Benign for Charcot-Marie-Tooth disease recessive intermediate C. Last evaluated: 2021-10-25. Review status: criteria provided, single submitter. Criteria: ACMG Guidelines, 2015. Collection method: clinical testing. Allele origin: germline. Affected: no.

Genome-Nilou Lab
Classification: Benign for Neuronopathy, distal hereditary motor, autosomal recessive 4. Last evaluated: 2021-10-25. Review status: criteria provided, single submitter. Criteria: ACMG Guidelines, 2015. Collection method: clinical testing. Allele origin: germline. Affected: no.

GeneDx
Classification: Benign. Last evaluated: 2018-06-14. Review status: criteria provided, single submitter. Criteria: GeneDx Variant Classification (06012015). Collection method: clinical testing. Allele origin: germline. Affected: yes.
Comment: This variant is considered likely benign or benign based on one or more of the following criteria: it is a conservative change, it occurs at a poorly conserved position in the protein, it is predicted to be benign by multiple in silico algorithms, and/or has population frequency not consistent with disease.

NM_020631.6(PLEKHG5):c.1393-22dup

Gene: PLEKHG5 (pleckstrin homology and RhoGEF domain containing G5; minus strand). Cytogenetic location: 1p36.31.
Variant type: Duplication.
Coding change: c.1393-22dup on transcript NM_020631.6 (MANE Select); 22 bases into the intron before coding-DNA position 1393, one base duplicated (C; older notation c.1393-22dupC).
Molecular consequence: intron variant.
Genome position (GRCh38, 1-based): chr1:6,470,906, G duplicated on the plus strand (C on the coding strand, the reverse complement: PLEKHG5 is on the minus strand); the first of 3 consecutive G bases (chr1:6,470,906-6,470,908); duplicating any one gives the same sequence. VCF-style (leftmost placement, unchanged base first): chr1-6470905-C-CG. GRCh37 (hg19) VCF-style: chr1-6530965-C-CG.
Other names: c.1393-22dup (NM_198681.4, NM_001265594.3, NM_001042664.2 and 1 more transcripts); c.1504-22dup (NM_001042663.3, NM_001265592.2); c.1600-22dup (NM_001265593.2).
Identifiers: ClinVar variation 670557 (VCV000670557.3), dbSNP rs111312565, ClinGen allele CA561526.
Genomic context (GRCh38, chr1:6,470,905, plus strand): 5'-TCAGCTTCAGCCTCTGGCACTGTGGGTGCTTCTCCGCCCACTGCGGTGGGGGAGTGGGGG[C>CG]GGGCTCAGGGCAGGCCCCGCCCCACCCGGCCCCGTCCAGGGTCCCGTCCTCCTGCGCCCC-3'